The following is an entry in ClinVar:

ClinVar aggregate classification (germline): Likely pathogenic (1 of 4 stars; one submission).

Conditions:
ASXL2-related disorder. Also called: ASXL2-related condition.

Submission:

PreventionGenetics, part of Exact Sciences
Classification: Likely pathogenic for ASXL2-related condition. Last evaluated: 2025-12-23. Review status: criteria provided, single submitter. Criteria: ACMG Guidelines, 2015. Collection method: clinical testing. Allele origin: germline.
Comment: The ASXL2 c.7delG variant is predicted to result in a frameshift and premature protein termination (p.Glu3Lysfs*19). To our knowledge, this variant has not been reported in the literature or in a large population database (gnomAD), indicating this variant is rare. Frameshift variants in ASXL2 are expected to be pathogenic. This variant is interpreted as likely pathogenic.

NM_018263.6(ASXL2):c.7del (p.Glu3fs)

Gene: ASXL2 (ASXL transcriptional regulator 2; minus strand). Cytogenetic location: 2p23.3.
Variant type: Deletion.
Coding change: c.7del on transcript NM_018263.6 (MANE Select); coding-DNA position 7, one base deleted (G; older notation c.7delG).
Protein change: p.Glu3fs; shifts the reading frame from glutamic acid 3.
Molecular consequence: frameshift variant.
Genome position (GRCh38, 1-based): chr2:25,878,216, C deleted on the plus strand (G on the coding strand, the reverse complement: ASXL2 is on the minus strand); the first of 3 consecutive C bases (chr2:25,878,216-25,878,218); deleting any one gives the same sequence. VCF-style (leftmost placement, unchanged base first): chr2-25878215-TC-T. GRCh37 (hg19) VCF-style: chr2-26101084-TC-T.
Other names: short protein forms E3fs.
Identifiers: ClinVar variation 4994525 (VCV004994525.1).
Genomic context (GRCh38, chr2:25,878,215, plus strand): 5'-CTCCCCCTTACCGTCTTGGCGGCCTCCGCCCAGGTCCTGCCCTTCTTCCTACGTCCCTTT[TC>T]CCTCATGTCGGGTCTTGAACTGACTGGGAGGCTCCCGTGTCCGGGCTCCGGCCGCCCTCC-3'